The following is an entry in ClinVar:

NM_001876.4(CPT1A):c.556-19T>G

Gene: CPT1A (carnitine palmitoyltransferase 1A; minus strand). Cytogenetic location: 11q13.3.
Variant type: single nucleotide variant.
Coding change: c.556-19T>G on transcript NM_001876.4 (MANE Select); 19 bases into the intron before coding-DNA position 556, T replaced by G.
Molecular consequence: intron variant.
Genome position (GRCh38, 1-based): chr11:68,799,374, A>C on the plus strand (T>G on the coding strand, the complement: CPT1A is on the minus strand). VCF-style: chr11-68799374-A-C. GRCh37 (hg19) VCF-style: chr11-68566842-A-C.
Other names: p.?; c.556-19T>G (NM_001031847.3).
Identifiers: ClinVar variation 93976 (VCV000093976.21), dbSNP rs117610994, ClinGen allele CA285502.

ClinVar aggregate classification (germline): Benign. Review status: criteria provided, multiple submitters, no conflicts (2 of 4 stars). 7 submissions from 7 submitters: Benign (7). Last evaluated 2026-02-04.

Conditions:
Carnitine palmitoyl transferase 1A deficiency. Also called: Carnitine palmitoyltransferase 1A deficiency; CPT deficiency, hepatic, type IA; Carnitine palmitoyltransferase type I deficiency; CPT I DEFICIENCY; CPT DEFICIENCY, HEPATIC, TYPE I. Identifiers: Orphanet 156, MedGen C1829703, MONDO:0009705, OMIM 255120.

Allele frequency attached by ClinVar (database versions not stated): TOPMed 0.00927; 1000 Genomes Project 0.01438; 1000 Genomes Project 30x 0.01468; gnomAD 0.00984 and 0.01105; ESP Exome Variant Server 0.00993; gnomAD exomes 0.01435 and 0.01692; ExAC 0.01741.
gnomAD v4.1: 22,795 of 1,613,198 alleles (1.4%); highest among the groups gnomAD compares: Middle Eastern, 6.4%; 309 homozygotes.

Submissions (16):

Labcorp Genetics (formerly Invitae), Labcorp
Classification: Benign for Carnitine palmitoyl transferase 1A deficiency. Last evaluated: 2026-02-04. Review status: criteria provided, single submitter. Criteria: Invitae Variant Classification Sherloc (09022015). Collection method: clinical testing. Allele origin: germline.

ARUP Laboratories, Molecular Genetics and Genomics, ARUP Laboratories
Classification: Benign for Carnitine palmitoyl transferase 1A deficiency. Last evaluated: 2024-04-10. Review status: criteria provided, single submitter. Criteria: ARUP Molecular Germline Variant Investigation Process 2024. Collection method: clinical testing. Allele origin: germline.

Mayo Clinic Laboratories, Mayo Clinic
Classification: Benign. Last evaluated: 2022-11-16. Review status: criteria provided, single submitter. Criteria: ACMG Guidelines, 2015. Collection method: clinical testing. Allele origin: germline. Observed: 5 variant alleles.
Comment: BS1, BS2

Genome-Nilou Lab
Classification: Benign for Carnitine palmitoyl transferase 1A deficiency. Last evaluated: 2021-07-01. Review status: criteria provided, single submitter. Criteria: ACMG Guidelines, 2015. Collection method: clinical testing. Allele origin: germline. Affected: no.

GeneDx
Classification: Benign. Last evaluated: 2014-07-17. Review status: criteria provided, single submitter. Criteria: GeneDx Variant Classification (06012015). Collection method: clinical testing. Allele origin: germline. Affected: yes.
Comment: This variant is considered likely benign or benign based on one or more of the following criteria: it is a conservative change, it occurs at a poorly conserved position in the protein, it is predicted to be benign by multiple in silico algorithms, and/or has population frequency not consistent with disease.

Eurofins Ntd Llc (ga)
Classification: Benign. Last evaluated: 2014-04-01. Review status: criteria provided, single submitter. Criteria: EGL Classification Definitions 2015. Collection method: clinical testing. Allele origin: germline. Observed: 2 variant alleles, 2 heterozygotes.

Breakthrough Genomics
Classification: Benign. Review status: criteria provided, single submitter. Criteria: ACMG Guidelines, 2015. Collection method: not provided. Allele origin: germline. Inheritance: Autosomal recessive inheritance. Affected: yes.

Dr. Peter K. Rogan Lab, Western University
No classification provided (evidence only). Condition: Acute myeloid leukemia. Review status: no classification provided. Collection method: in vitro. Allele origin: not applicable. Functional consequence: retained intron. Not counted in ClinVar's aggregate classification.

Dr. Peter K. Rogan Lab, Western University
No classification provided (evidence only). Condition: Acute myeloid leukemia. Review status: no classification provided. Collection method: in vitro. Allele origin: not applicable. Functional consequence: retained intron. Not counted in ClinVar's aggregate classification.

Dr. Peter K. Rogan Lab, Western University
No classification provided (evidence only). Condition: Cervical cancer. Review status: no classification provided. Collection method: in vitro. Allele origin: not applicable. Functional consequence: retained intron. Not counted in ClinVar's aggregate classification.

Dr. Peter K. Rogan Lab, Western University
No classification provided (evidence only). Condition: Cervical cancer. Review status: no classification provided. Collection method: in vitro. Allele origin: not applicable. Functional consequence: retained intron. Not counted in ClinVar's aggregate classification.

Dr. Peter K. Rogan Lab, Western University
No classification provided (evidence only). Condition: Cervical cancer. Review status: no classification provided. Collection method: in vitro. Allele origin: not applicable. Functional consequence: retained intron. Not counted in ClinVar's aggregate classification.

Dr. Peter K. Rogan Lab, Western University
No classification provided (evidence only). Condition: Sarcoma. Review status: no classification provided. Collection method: in vitro. Allele origin: not applicable. Functional consequence: retained intron. Not counted in ClinVar's aggregate classification.

Dr. Peter K. Rogan Lab, Western University
No classification provided (evidence only). Condition: Thymoma. Review status: no classification provided. Collection method: in vitro. Allele origin: not applicable. Functional consequence: retained intron. Not counted in ClinVar's aggregate classification.

Dr. Peter K. Rogan Lab, Western University
No classification provided (evidence only). Condition: Thymoma. Review status: no classification provided. Collection method: in vitro. Allele origin: not applicable. Functional consequence: retained intron. Not counted in ClinVar's aggregate classification.

Dr. Peter K. Rogan Lab, Western University
No classification provided (evidence only). Condition: Uterine carcinosarcoma. Review status: no classification provided. Collection method: in vitro. Allele origin: not applicable. Functional consequence: retained intron. Not counted in ClinVar's aggregate classification.